The following is an entry in ClinVar:

NM_006939.4(SOS2):c.2318A>C (p.Asp773Ala)

Gene: SOS2 (SOS Ras/Rho guanine nucleotide exchange factor 2; minus strand). Cytogenetic location: 14q21.3.
Variant type: single nucleotide variant.
Coding change: c.2318A>C on transcript NM_006939.4 (MANE Select); coding-DNA position 2318, A replaced by C.
Protein change: p.Asp773Ala; replaces aspartic acid 773 with alanine.
Molecular consequence: missense variant.
Genome position (GRCh38, 1-based): chr14:50,150,074, T>G on the plus strand (A>C on the coding strand, the complement: SOS2 is on the minus strand). VCF-style: chr14-50150074-T-G. GRCh37 (hg19) VCF-style: chr14-50616792-T-G.
Other names: short protein forms D773A.
Identifiers: ClinVar variation 1007007 (VCV001007007.8), dbSNP rs1884612400, ClinGen allele CA389643722.

ClinVar aggregate classification (germline): Uncertain significance (1 of 4 stars; one submission).

Conditions:
Noonan syndrome 9 (NS9). Identifiers: Orphanet 648, MedGen C4225282, MONDO:0014691, OMIM 616559.

Submission:

Labcorp Genetics (formerly Invitae), Labcorp
Classification: Uncertain significance for Noonan syndrome 9. Last evaluated: 2020-10-01. Review status: criteria provided, single submitter. Criteria: Invitae Variant Classification Sherloc (09022015). Collection method: clinical testing. Allele origin: germline.
Comment: This sequence change replaces aspartic acid with alanine at codon 773 of the SOS2 protein (p.Asp773Ala). The aspartic acid residue is highly conserved and there is a moderate physicochemical difference between aspartic acid and alanine. This variant is not present in population databases (ExAC no frequency). This variant has not been reported in the literature in individuals with SOS2-related conditions. Advanced modeling of protein sequence and biophysical properties (such as structural, functional, and spatial information, amino acid conservation, physicochemical variation, residue mobility, and thermodynamic stability) performed at Invitae indicates that this missense variant is not expected to disrupt SOS2 protein function. In summary, the available evidence is currently insufficient to determine the role of this variant in disease. Therefore, it has been classified as a Variant of Uncertain Significance.